The following is an entry in ClinVar:

ClinVar aggregate classification (germline): Pathogenic (1 of 4 stars; one submission).

Conditions:
Autosomal dominant Alport syndrome (ATS3A). Also called: ALPORT SYNDROME 3A, AUTOSOMAL DOMINANT; Alport syndrome dominant type; Renal failure and sensorineural hearing loss. Identifiers: Orphanet 63, Orphanet 88918, MedGen C5882663, MONDO:0007086, OMIM 104200.

Submission:

MVZ Medizinische Genetik Mainz
Classification: Pathogenic for Autosomal dominant Alport syndrome. Last evaluated: 2022-07-11. Review status: criteria provided, single submitter. Criteria: UK Practice Guidelines For Variant Classification V4 01 2020. Collection method: clinical testing. Allele origin: germline. Inheritance: Autosomal dominant inheritance. Affected: yes. Observed: 1 variant allele.
Comment: ACMG Criteria: PVS1, PS1_SUP, PM2_SUP, PP4

NM_000091.5(COL4A3):c.2746+1G>C

Genes: COL4A3 (collagen type IV alpha 3 chain; plus strand), MFF-DT (MFF divergent transcript; minus strand). Cytogenetic location: 2q36.3.
Variant type: single nucleotide variant.
Coding change: c.2746+1G>C on transcript NM_000091.5 (MANE Select); the canonical splice donor site of the intron after coding-DNA position 2746, G replaced by C.
Molecular consequence: splice donor variant.
Genome position (GRCh38, 1-based): chr2:227,283,857, G>C. VCF-style: chr2-227283857-G-C. GRCh37 (hg19) VCF-style: chr2-228148573-G-C.
Identifiers: ClinVar variation 3066304 (VCV003066304.1), dbSNP rs1574786225, ClinGen allele CA350851500.